The following is an entry in ClinVar:

ClinVar aggregate classification (germline): Benign. Review status: criteria provided, multiple submitters, no conflicts (2 of 4 stars). 5 submissions from 5 submitters: Benign (5). Last evaluated 2026-01-26.

Conditions:
Cole-Carpenter syndrome 2 (CLCRP2). Identifiers: Orphanet 2050, MedGen C4225382, MONDO:0014573, OMIM 616294.

Allele frequency attached by ClinVar (database versions not stated): gnomAD exomes 0.00121 and 0.00358; ExAC 0.00458; gnomAD 0.01346 and 0.01448; 1000 Genomes Project 0.01378; ESP Exome Variant Server 0.01461; TOPMed 0.01531; 1000 Genomes Project 30x 0.01562.
gnomAD v4.1: 3,884 of 1,587,466 alleles (0.24%); highest among the groups gnomAD compares: African/African-American, 4.5%; 72 homozygotes.

Submissions (5):

Labcorp Genetics (formerly Invitae), Labcorp
Classification: Benign. Last evaluated: 2026-01-26. Review status: criteria provided, single submitter. Criteria: Invitae Variant Classification Sherloc (09022015). Collection method: clinical testing. Allele origin: germline.

ARUP Laboratories, Molecular Genetics and Genomics, ARUP Laboratories
Classification: Benign for Cole-Carpenter syndrome 2. Last evaluated: 2025-05-02. Review status: criteria provided, single submitter. Criteria: ARUP Molecular Germline Variant Investigation Process 2024. Collection method: clinical testing. Allele origin: germline.

Mayo Clinic Laboratories, Mayo Clinic
Classification: Benign. Last evaluated: 2025-02-26. Review status: criteria provided, single submitter. Criteria: ACMG Guidelines, 2015. Collection method: clinical testing. Allele origin: germline. Observed: 3 variant alleles.
Comment: BA1, BS2, BP4_moderate

GeneDx
Classification: Benign. Last evaluated: 2019-11-23. Review status: criteria provided, single submitter. Criteria: GeneDx Variant Classification Process June 2021. Collection method: clinical testing. Allele origin: germline. Affected: yes.

Breakthrough Genomics
Classification: Benign. Review status: criteria provided, single submitter. Criteria: ACMG Guidelines, 2015. Collection method: not provided. Allele origin: germline. Inheritance: Autosomal recessive inheritance. Affected: yes.

NM_014822.4(SEC24D):c.125T>C (p.Met42Thr)

Gene: SEC24D (SEC24 homolog D, COPII component; minus strand). Cytogenetic location: 4q26.
Variant type: single nucleotide variant.
Coding change: c.125T>C on transcript NM_014822.4 (MANE Select); coding-DNA position 125, T replaced by C.
Protein change: p.Met42Thr; replaces methionine 42 with threonine.
Molecular consequence: missense variant.
Genome position (GRCh38, 1-based): chr4:118,824,743, A>G on the plus strand (T>C on the coding strand, the complement: SEC24D is on the minus strand). VCF-style: chr4-118824743-A-G. GRCh37 (hg19) VCF-style: chr4-119745898-A-G.
Other names: p.Met42Thr; c.125T>C, p.Met42Thr (NM_001318066.2); short protein forms M42T.
Identifiers: ClinVar variation 773159 (VCV000773159.17), dbSNP rs10029206, ClinGen allele CA3057624.